The following is an entry in ClinVar:

ClinVar aggregate classification (germline): Conflicting classifications of pathogenicity. Review status: criteria provided, conflicting classifications (1 of 4 stars). 5 submissions from 5 submitters: Likely pathogenic (1); Uncertain significance (3). 1 of the submissions does not count toward it. Last evaluated 2023-12-07.

Conditions:
Inborn genetic diseases. Identifiers: MedGen C0950123, MeSH D030342.
Combined oxidative phosphorylation defect type 24. Also called: Combined oxidative phosphorylation deficiency 24. Identifiers: Orphanet 444458, MedGen C4015643, MONDO:0014547, OMIM 616239.

Allele frequency attached by ClinVar (database versions not stated): gnomAD 0.00004 and 0.00005; TOPMed 0.00005.
gnomAD v4.1: 130 of 1,613,154 alleles (0.0081%); highest among the groups gnomAD compares: Non-Finnish European, 0.011%; no homozygotes.

Submissions (5):

Labcorp Genetics (formerly Invitae), Labcorp
Classification: Uncertain significance. Last evaluated: 2023-12-07. Review status: criteria provided, single submitter. Criteria: Invitae Variant Classification Sherloc (09022015). Collection method: clinical testing. Allele origin: germline.
Comment: This sequence change replaces glutamine, which is neutral and polar, with arginine, which is basic and polar, at codon 56 of the NARS2 protein (p.Gln56Arg). This variant is present in population databases (rs201751992, gnomAD 0.006%). This missense change has been observed in individual(s) with clinical features of NARS2-related conditions (PMID: 30327238). It has also been observed to segregate with disease in related individuals. ClinVar contains an entry for this variant (Variation ID: 422720). Advanced modeling of protein sequence and biophysical properties (such as structural, functional, and spatial information, amino acid conservation, physicochemical variation, residue mobility, and thermodynamic stability) performed at Invitae indicates that this missense variant is expected to disrupt NARS2 protein function with a positive predictive value of 80%. In summary, the available evidence is currently insufficient to determine the role of this variant in disease. Therefore, it has been classified as a Variant of Uncertain Significance.

Ambry Genetics
Classification: Uncertain significance for Inborn genetic diseases. Last evaluated: 2021-08-23. Review status: criteria provided, single submitter. Criteria: Ambry Variant Classification Scheme 2023. Collection method: clinical testing. Allele origin: germline.

Institute of Human Genetics, University of Leipzig Medical Center
Classification: Uncertain significance for Combined oxidative phosphorylation defect type 24. Last evaluated: 2021-07-16. Review status: criteria provided, single submitter. Criteria: ACMG Guidelines, 2015. Collection method: clinical testing. Allele origin: unknown. Affected: yes.

GeneDx
Classification: Likely pathogenic. Last evaluated: 2017-03-10. Review status: criteria provided, single submitter. Criteria: GeneDx Variant Classification (06012015). Collection method: clinical testing. Allele origin: germline. Affected: yes.
Comment: The Q56R variant in the NARS2 gene has not been reported previously as a pathogenic variant, nor as a benign variant, to our knowledge. The Q56R variant is not observed at a significant frequency in large population cohorts (Lek et al., 2016; 1000 Genomes Consortium et al., 2015; Exome Variant Server). The Q56R variant is a semi-conservative amino acid substitution, which may impact secondary protein structure as these residues differ in some properties. This substitution occurs at a position that is conserved across species. In silico analysis is inconsistent in its predictions as to whether or not the variant is damaging to the protein structure/function. The Q56R variant is a strong candidate for a pathogenic variant.

OMIM
Classification: Pathogenic for COMBINED OXIDATIVE PHOSPHORYLATION DEFICIENCY 24. Last evaluated: 2019-05-28. Review status: no assertion criteria provided. Collection method: literature only. Allele origin: germline. Not counted in ClinVar's aggregate classification.

Literature cited by the submitters: PubMed 30327238 (cited by 3 submitters).

NM_024678.6(NARS2):c.167A>G (p.Gln56Arg)

Gene: NARS2 (asparaginyl-tRNA synthetase 2, mitochondrial; minus strand). Cytogenetic location: 11q14.1.
Variant type: single nucleotide variant.
Coding change: c.167A>G on transcript NM_024678.6 (MANE Select); coding-DNA position 167, A replaced by G.
Protein change: p.Gln56Arg; replaces glutamine 56 with arginine.
Molecular consequence: missense variant. On other transcripts: 5 prime UTR variant (1).
Genome position (GRCh38, 1-based): chr11:78,571,419, T>C on the plus strand (A>G on the coding strand, the complement: NARS2 is on the minus strand). VCF-style: chr11-78571419-T-C. GRCh37 (hg19) VCF-style: chr11-78282464-T-C.
Other names: c.-515A>G (NM_001243251.2); short protein forms Q56R.
Identifiers: ClinVar variation 422720 (VCV000422720.9), dbSNP rs201751992, ClinGen allele CA6205927.